The following is an entry in ClinVar:

NM_001379200.1(TBX1):c.1238C>T (p.Ala413Val)

Gene: TBX1 (T-box transcription factor 1; plus strand). Cytogenetic location: 22q11.21.
Variant type: single nucleotide variant.
Coding change: c.1238C>T on transcript NM_001379200.1 (MANE Select); coding-DNA position 1238, C replaced by T.
Protein change: p.Ala413Val; replaces alanine 413 with valine.
Molecular consequence: missense variant. On other transcripts: intron variant (2).
Genome position (GRCh38, 1-based): chr22:19,766,590, C>T. VCF-style: chr22-19766590-C-T. GRCh37 (hg19) VCF-style: chr22-19754113-C-T.
Other names: c.1211C>T, p.Ala404Val (NM_080647.1); c.1009+588C>T (NM_005992.1, NM_080646.2); short protein forms A404V, A413V.
Identifiers: ClinVar variation 2804751 (VCV002804751.3), dbSNP rs557935727, ClinGen allele CA10102675.

ClinVar aggregate classification (germline): Uncertain significance (1 of 4 stars; one submission).

Conditions:
DiGeorge syndrome. Also called: THIRD AND FOURTH PHARYNGEAL POUCH SYNDROME; Catch22. Identifiers: Orphanet 567, MedGen C0012236, MONDO:0008564, OMIM 188400.

Allele frequency attached by ClinVar (database versions not stated): 1000 Genomes Project 0.00040; 1000 Genomes Project 30x 0.00047.
gnomAD v4.1: 6 of 1,478,238 alleles (0.00041%); highest among the groups gnomAD compares: South Asian, 0.0064%; no homozygotes.

Submission:

Labcorp Genetics (formerly Invitae), Labcorp
Classification: Uncertain significance for DiGeorge syndrome. Last evaluated: 2023-03-08. Review status: criteria provided, single submitter. Criteria: Invitae Variant Classification Sherloc (09022015). Collection method: clinical testing. Allele origin: germline.
Comment: In summary, the available evidence is currently insufficient to determine the role of this variant in disease. Therefore, it has been classified as a Variant of Uncertain Significance. An algorithm developed to predict the effect of missense changes on protein structure and function (PolyPhen-2) suggests that this variant is likely to be tolerated. This variant has not been reported in the literature in individuals affected with TBX1-related conditions. This variant is present in population databases (rs557935727, gnomAD 0.01%). This sequence change replaces alanine, which is neutral and non-polar, with valine, which is neutral and non-polar, at codon 404 of the TBX1 protein (p.Ala404Val).